The following is an entry in ClinVar:

ClinVar aggregate classification (germline): Uncertain significance (1 of 4 stars; one submission).

Submission:

GeneDx
Classification: Uncertain significance. Last evaluated: 2022-07-19. Review status: criteria provided, single submitter. Criteria: GeneDx Variant Classification Process June 2021. Collection method: clinical testing. Allele origin: germline. Affected: yes.
Comment: Not observed at significant frequency in large population cohorts (gnomAD); In silico analysis supports that this missense variant has a deleterious effect on protein structure/function; Has not been previously published as pathogenic or benign to our knowledge

NM_001005273.3(CHD3):c.4321G>T (p.Val1441Leu)

Gene: CHD3 (chromodomain helicase DNA binding protein 3; plus strand). Cytogenetic location: 17p13.1.
Variant type: single nucleotide variant.
Coding change: c.4321G>T on transcript NM_001005273.3 (MANE Select); coding-DNA position 4321, G replaced by T.
Protein change: p.Val1441Leu; replaces valine 1441 with leucine.
Molecular consequence: missense variant.
Genome position (GRCh38, 1-based): chr17:7,905,952, G>T. VCF-style: chr17-7905952-G-T. GRCh37 (hg19) VCF-style: chr17-7809270-G-T.
Other names: c.4498G>T, p.Val1500Leu (NM_001005271.3); c.4321G>T, p.Val1441Leu (NM_005852.4); short protein forms V1441L, V1500L.
Identifiers: ClinVar variation 2428795 (VCV002428795.3), dbSNP rs2545063346, ClinGen allele CA397945735.